The following is an entry in ClinVar:

ClinVar aggregate classification (germline): Uncertain significance. Review status: criteria provided, multiple submitters, no conflicts (2 of 4 stars). 2 submissions from 2 submitters: Uncertain significance (2). Last evaluated 2025-10-08.

Conditions:
Cardiovascular phenotype. Identifiers: MedGen CN230736.
Long QT syndrome (LQTS). Identifiers: MedGen C0023976, MeSH D008133, MONDO:0002442. Disease mechanism: loss of function. Inheritance: Various modes of inheritance.

gnomAD v4.1: 2 of 1,610,900 alleles (0.00012%); highest among the groups gnomAD compares: South Asian, 0.0011%; no homozygotes.

Submissions (2):

Labcorp Genetics (formerly Invitae), Labcorp
Classification: Uncertain significance for Long QT syndrome. Last evaluated: 2025-10-08. Review status: criteria provided, single submitter. Criteria: Invitae Variant Classification Sherloc (09022015). Collection method: clinical testing. Allele origin: germline.
Comment: This sequence change replaces alanine, which is neutral and non-polar, with threonine, which is neutral and polar, at codon 895 of the AKAP9 protein (p.Ala895Thr). This variant is not present in population databases (gnomAD no frequency). This variant has not been reported in the literature in individuals affected with AKAP9-related conditions. ClinVar contains an entry for this variant (Variation ID: 3850090). An algorithm developed to predict the effect of missense changes on protein structure and function outputs the following: PolyPhen-2: "Benign". The threonine amino acid residue is found in multiple mammalian species, which suggests that this missense change does not adversely affect protein function. In summary, the available evidence is currently insufficient to determine the role of this variant in disease. Therefore, it has been classified as a Variant of Uncertain Significance.

Ambry Genetics
Classification: Uncertain significance for Cardiovascular phenotype. Last evaluated: 2025-02-07. Review status: criteria provided, single submitter. Criteria: Ambry Variant Classification Scheme 2023. Collection method: clinical testing. Allele origin: germline.

NM_005751.5(AKAP9):c.2683G>A (p.Ala895Thr)

Gene: AKAP9 (A-kinase anchoring protein 9; plus strand). Cytogenetic location: 7q21.2.
Variant type: single nucleotide variant.
Coding change: c.2683G>A on transcript NM_005751.5 (MANE Select); coding-DNA position 2683, G replaced by A.
Protein change: p.Ala895Thr; replaces alanine 895 with threonine.
Molecular consequence: missense variant.
Genome position (GRCh38, 1-based): chr7:92,002,600, G>A. VCF-style: chr7-92002600-G-A. GRCh37 (hg19) VCF-style: chr7-91631914-G-A.
Other names: c.2683G>A, p.Ala895Thr (NM_147185.3); short protein forms A895T.
Identifiers: ClinVar variation 3850090 (VCV003850090.2).
Genomic context (GRCh38, chr7:92,002,600, plus strand): 5'-AAAGATGATTTAGAAGACAGTAAAAATAAACAGGAATTAGAGTATAAAAGTAAACTTAAA[G>A]CACTTAATGAAGAGCTTCATTTGCAAAGAATAAATCCAACTACAGTGAAAATGAAAAGTT-3'
Protein context (NP_005742.4, residues 885-905): QELEYKSKLK[Ala895Thr]LNEELHLQRI